The following is an entry in ClinVar:

ClinVar aggregate classification (germline): Uncertain significance (1 of 4 stars; one submission).

Conditions:
Arrhythmogenic right ventricular dysplasia 8 (ARVD8). Also called: Arrhythmogenic Right Ventricular Dysplasia/Cardiomyopathy 8; ARRHYTHMOGENIC RIGHT VENTRICULAR DYSPLASIA, FAMILIAL, 8; ARRHYTHMOGENIC RIGHT VENTRICULAR CARDIOMYOPATHY 8. Identifiers: MedGen C1843896, MONDO:0011831, OMIM 607450.
Arrhythmogenic cardiomyopathy with wooly hair and keratoderma. Also called: Dilated cardiomyopathy with woolly hair and keratoderma; Carvajal syndrome; Arrhythmogenic cardiomyopathy with woolly hair and keratoderma; PALMOPLANTAR KERATODERMA WITH LEFT VENTRICULAR CARDIOMYOPATHY AND WOOLLY HAIR. Identifiers: Orphanet 65282, MedGen C1854063, MONDO:0011581, OMIM 605676.

Allele frequency attached by ClinVar (database versions not stated): gnomAD exomes below 0.00001.
gnomAD v4.1: 1 of 1,614,200 alleles (0.000062%); highest among the groups gnomAD compares: Admixed American, 0.0017%; no homozygotes.

Submission:

Labcorp Genetics (formerly Invitae), Labcorp
Classification: Uncertain significance for Arrhythmogenic cardiomyopathy with wooly hair and keratoderma; Arrhythmogenic right ventricular dysplasia 8. Last evaluated: 2021-04-04. Review status: criteria provided, single submitter. Criteria: Invitae Variant Classification Sherloc (09022015). Collection method: clinical testing. Allele origin: germline.
Comment: In summary, the available evidence is currently insufficient to determine the role of this variant in disease. Therefore, it has been classified as a Variant of Uncertain Significance. Algorithms developed to predict the effect of sequence changes on RNA splicing suggest that this variant may create or strengthen a splice site, but this prediction has not been confirmed by published transcriptional studies. Algorithms developed to predict the effect of missense changes on protein structure and function are either unavailable or do not agree on the potential impact of this missense change (SIFT: "Deleterious"; PolyPhen-2: "Benign"; Align-GVGD: "Class C0"). This variant has not been reported in the literature in individuals with DSP-related conditions. This variant is not present in population databases (ExAC no frequency). This sequence change replaces isoleucine with methionine at codon 2637 of the DSP protein (p.Ile2637Met). The isoleucine residue is highly conserved and there is a small physicochemical difference between isoleucine and methionine.

NM_004415.4(DSP):c.7911A>G (p.Ile2637Met)

Gene: DSP (desmoplakin; plus strand). Cytogenetic location: 6p24.3.
Variant type: single nucleotide variant.
Coding change: c.7911A>G on transcript NM_004415.4 (MANE Select); coding-DNA position 7911, A replaced by G.
Protein change: p.Ile2637Met; replaces isoleucine 2637 with methionine.
Molecular consequence: missense variant.
Genome position (GRCh38, 1-based): chr6:7,585,173, A>G. VCF-style: chr6-7585173-A-G. GRCh37 (hg19) VCF-style: chr6-7585406-A-G.
Other names: c.6114A>G, p.Ile2038Met (NM_001008844.3); c.6582A>G, p.Ile2194Met (NM_001319034.2); short protein forms I2038M, I2637M, I2194M.
Identifiers: ClinVar variation 1522978 (VCV001522978.8), dbSNP rs2113703589, ClinGen allele CA362694047.
Genomic context (GRCh38, chr6:7,585,173, plus strand): 5'-CCCCATTGCAGCCATCTTTGACACAGAAAACCTGGAGAAAATCTCCATTACAGAAGGTAT[A>G]GAGCGGGGCATCGTTGACAGCATCACGGGTCAGAGGCTTCTGGAGGCTCAGGCCTGCACA-3'
Protein context (NP_004406.2, residues 2627-2647): NLEKISITEG[Ile2637Met]ERGIVDSITG